The following is an entry in ClinVar:

ClinVar aggregate classification (germline): Uncertain significance (1 of 4 stars; one submission).

Submission:

Labcorp Genetics (formerly Invitae), Labcorp
Classification: Uncertain significance. Last evaluated: 2022-07-23. Review status: criteria provided, single submitter. Criteria: Invitae Variant Classification Sherloc (09022015). Collection method: clinical testing. Allele origin: germline.
Comment: In summary, the available evidence is currently insufficient to determine the role of this variant in disease. Therefore, it has been classified as a Variant of Uncertain Significance. Experimental studies and prediction algorithms are not available or were not evaluated, and the effect of this variant on mRNA splicing is currently unknown. This variant has not been reported in the literature in individuals affected with ACAN-related conditions. Information on the frequency of this variant in the gnomAD database is not available, as this variant may be reported differently in the database. This sequence change affects codon 541 of the ACAN mRNA. It is a 'silent' change, meaning that it does not change the encoded amino acid sequence of the ACAN protein.

NM_001369268.1(ACAN):c.1623_1624delinsAA (p.Pro541_Arg542=)

Gene: ACAN (aggrecan; plus strand). Cytogenetic location: 15q26.1.
Variant type: Indel.
Coding change: c.1623_1624delinsAA on transcript NM_001369268.1 (MANE Select); coding-DNA positions 1623 to 1624, CC replaced by AA.
Protein change: p.Pro541_Arg542=.
Molecular consequence: synonymous variant.
Genome position (GRCh38, 1-based): chr15:88,847,929-88,847,930, CC replaced by AA. VCF-style: chr15-88847929-CC-AA. GRCh37 (hg19) VCF-style: chr15-89391160-CC-AA.
Other names: c.1623_1624delinsAA, p.Pro541_Arg542= (NM_001135.4, NM_001411096.1, NM_001411097.1 and 1 more transcripts).
Identifiers: ClinVar variation 2019148 (VCV002019148.4), dbSNP rs2141587357, ClinGen allele CA2580090464.